The following is an entry in ClinVar:

NM_017950.4(CCDC40):c.1890T>G (p.Ala630=)

Gene: CCDC40 (coiled-coil domain 40 molecular ruler complex subunit; plus strand). Cytogenetic location: 17q25.3.
Variant type: single nucleotide variant.
Coding change: c.1890T>G on transcript NM_017950.4 (MANE Select); coding-DNA position 1890, T replaced by G.
Protein change: p.Ala630=; no amino-acid change (alanine 630 retained).
Molecular consequence: synonymous variant.
Genome position (GRCh38, 1-based): chr17:80,081,959, T>G. VCF-style: chr17-80081959-T-G. GRCh37 (hg19) VCF-style: chr17-78055758-T-G.
Other names: p.Ala630=; c.1890T>G, p.Ala630= (NM_001243342.2).
Identifiers: ClinVar variation 162850 (VCV000162850.31), dbSNP rs35578653, ClinGen allele CA175433.

ClinVar aggregate classification (germline): Benign/Likely benign. Review status: criteria provided, multiple submitters, no conflicts (2 of 4 stars). 12 submissions from 12 submitters: Benign (9); Likely benign (1). 2 of the submissions do not count toward it. Last evaluated 2026-02-04.

Conditions:
Primary ciliary dyskinesia 15. Also called: CILIARY DYSKINESIA, PRIMARY, 15, WITH OR WITHOUT SITUS INVERSUS. Identifiers: Orphanet 244, MedGen C3151137, MONDO:0013435, OMIM 613808.
Primary ciliary dyskinesia. Also called: Ciliary dyskinesia. Identifiers: Orphanet 244, MedGen C0008780, MONDO:0016575, HP:0012265.

Allele frequency attached by ClinVar (database versions not stated): 1000 Genomes Project 0.46426; 1000 Genomes Project 30x 0.46705; gnomAD exomes 0.48147; ExAC 0.48872; TOPMed 0.51840; gnomAD 0.51937 and 0.52425; ESP Exome Variant Server 0.52105.
gnomAD v4.1: 821,726 of 1,613,186 alleles (51%); highest among the groups gnomAD compares: Middle Eastern, 63%; 212,252 homozygotes.

Submissions (12):

Labcorp Genetics (formerly Invitae), Labcorp
Classification: Benign for Primary ciliary dyskinesia. Last evaluated: 2026-02-04. Review status: criteria provided, single submitter. Criteria: Invitae Variant Classification Sherloc (09022015). Collection method: clinical testing. Allele origin: germline.

Blueprint Genetics
Classification: Likely benign. Last evaluated: 2024-11-28. Review status: criteria provided, single submitter. Criteria: ACMG Guidelines, 2015. Collection method: clinical testing. Allele origin: germline.

Mayo Clinic Laboratories, Mayo Clinic
Classification: Benign. Last evaluated: 2022-04-26. Review status: criteria provided, single submitter. Criteria: ACMG Guidelines, 2015. Collection method: clinical testing. Allele origin: germline. Observed: 162 variant alleles.

Genome-Nilou Lab
Classification: Benign for Primary ciliary dyskinesia 15. Last evaluated: 2021-07-14. Review status: criteria provided, single submitter. Criteria: ACMG Guidelines, 2015. Collection method: clinical testing. Allele origin: germline. Affected: no.

GeneDx
Classification: Benign. Last evaluated: 2018-07-05. Review status: criteria provided, single submitter. Criteria: GeneDx Variant Classification Process June 2021. Collection method: clinical testing. Allele origin: germline. Affected: yes.

Illumina Laboratory Services, Illumina
Classification: Benign for Primary ciliary dyskinesia 15. Last evaluated: 2018-01-13. Review status: criteria provided, single submitter. Criteria: ICSL Variant Classification Criteria 13 December 2019. Collection method: clinical testing. Allele origin: germline.
Comment: This variant was observed in the ICSL laboratory as part of a predisposition screen in an ostensibly healthy population. It had not been previously curated by ICSL or reported in the Human Gene Mutation Database (HGMD: prior to June 1st, 2018), and was therefore a candidate for classification through an automated scoring system. Utilizing variant allele frequency, disease prevalence and penetrance estimates, and inheritance mode, an automated score was calculated to assess if this variant is too frequent to cause the disease. Based on the score and internal cut-off values, a variant classified as benign is not then subjected to further curation. The score for this variant resulted in a classification of benign for this disease.

Ambry Genetics
Classification: Benign for Primary ciliary dyskinesia. Last evaluated: 2016-07-07. Review status: criteria provided, single submitter. Criteria: Ambry Variant Classification Scheme 2023. Collection method: clinical testing. Allele origin: germline.

Laboratory for Molecular Medicine, Mass General Brigham Personalized Medicine
Classification: Benign. Last evaluated: 2013-02-21. Review status: criteria provided, single submitter. Criteria: LMM Criteria. Collection method: clinical testing. Allele origin: germline. Observed: 79 variant alleles.
Comment: Ala630Ala in exon 12 of CCDC40: This variant is not expected to have clinical si gnificance because it does not alter an amino acid residue and is not located wi thin the splice consensus sequence. It has been identified in 49.0% (4178/8520) of European American chromosomes from a broad population by the NHLBI Exome Sequ encing Project (dbSNP rs35578653).

Breakthrough Genomics
Classification: Benign. Review status: criteria provided, single submitter. Criteria: ACMG Guidelines, 2015. Collection method: not provided. Allele origin: germline. Inheritance: Autosomal recessive inheritance. Affected: yes.

PreventionGenetics, part of Exact Sciences
Classification: Benign. Review status: criteria provided, single submitter. Criteria: ACMG Guidelines, 2015. Collection method: clinical testing. Allele origin: germline.

Clinical Genetics DNA and cytogenetics Diagnostics Lab, Erasmus MC, Erasmus Medical Center
Classification: Benign. Review status: no assertion criteria provided. Collection method: clinical testing. Allele origin: germline. Affected: yes. Study: VKGL Data-share Consensus. Not counted in ClinVar's aggregate classification.

Diagnostic Laboratory, Department of Genetics, University Medical Center Groningen
Classification: Benign for Primary ciliary dyskinesia 15. Review status: no assertion criteria provided. Collection method: clinical testing. Allele origin: germline. Affected: yes. Study: VKGL Data-share Consensus. Not counted in ClinVar's aggregate classification.